The following is an entry in ClinVar:

ClinVar aggregate classification (germline): Uncertain significance (1 of 4 stars; one submission).

Conditions:
Hyper-IgE recurrent infection syndrome 3, autosomal recessive. Also called: Autosomal recessive hyper-IgE syndrome due to ZNF341 deficiency; HYPER-IgE SYNDROME 3, AUTOSOMAL RECESSIVE, WITH RECURRENT INFECTIONS. Identifiers: Orphanet 641368, MedGen C4748969, MONDO:0032654, OMIM 618282.

Submission:

Labcorp Genetics (formerly Invitae), Labcorp
Classification: Uncertain significance for Combined immunodeficiency due to DOCK8 deficiency. Last evaluated: 2021-12-29. Review status: criteria provided, single submitter. Criteria: Invitae Variant Classification Sherloc (09022015). Collection method: clinical testing. Allele origin: germline.
Comment: This variant has not been reported in the literature in individuals affected with DOCK8-related conditions. In summary, the available evidence is currently insufficient to determine the role of this variant in disease. Therefore, it has been classified as a Variant of Uncertain Significance. Experimental studies and prediction algorithms are not available or were not evaluated, and the functional significance of this variant is currently unknown. This variant is a gross deletion of the genomic region encompassing exon(s) 23-25 of the DOCK8 gene. This variant would be expected to be in-frame, preserving the integrity of the reading frame.

NC_000009.11:g.(?_386311)_(396954_?)del

Gene: DOCK8 (dedicator of cytokinesis 8; plus strand). Cytogenetic location: 9p24.3.
Variant type: Deletion.
Identifiers: ClinVar variation 2427697 (VCV002427697.8).